The following is an entry in ClinVar:

NM_032977.4(CASP10):c.1237G>A (p.Glu413Lys)

Gene: CASP10 (caspase 10; plus strand). Cytogenetic location: 2q33.1.
Variant type: single nucleotide variant.
Coding change: c.1237G>A on transcript NM_032977.4 (MANE Select); coding-DNA position 1237, G replaced by A.
Protein change: p.Glu413Lys; replaces glutamic acid 413 with lysine.
Molecular consequence: missense variant. On other transcripts: 3 prime UTR variant (1).
Genome position (GRCh38, 1-based): chr2:201,209,384, G>A. VCF-style: chr2-201209384-G-A. GRCh37 (hg19) VCF-style: chr2-202074107-G-A.
Other names: c.1036G>A, p.Glu346Lys (NM_001206524.2); c.1108G>A, p.Glu370Lys (NM_001206542.2, NM_001230.5); c.1237G>A, p.Glu413Lys (NM_032974.5); c.*323G>A (NM_032976.4); short protein forms E346K, E370K, E413K.
Identifiers: ClinVar variation 3761163 (VCV003761163.2).

ClinVar aggregate classification (germline): Uncertain significance (1 of 4 stars; one submission).

Conditions:
Autoimmune lymphoproliferative syndrome type 2A (ALPS2A). Also called: AUTOIMMUNE LYMPHOPROLIFERATIVE SYNDROME, TYPE IIA; CASP10-Related Autoimmune Lymphoproliferative Syndrome; Autoimmune lymphoproliferative syndrome type 2. Identifiers: Orphanet 3261, MedGen C1858968, MONDO:0011383, OMIM 603909.

gnomAD v4.1: 17 of 1,614,104 alleles (0.0011%); highest among the groups gnomAD compares: Non-Finnish European, 0.0011%; no homozygotes.

Submission:

Labcorp Genetics (formerly Invitae), Labcorp
Classification: Uncertain significance for Autoimmune lymphoproliferative syndrome type 2A. Last evaluated: 2025-08-25. Review status: criteria provided, single submitter. Criteria: Invitae Variant Classification Sherloc (09022015). Collection method: clinical testing. Allele origin: germline.
Comment: This sequence change replaces glutamic acid, which is acidic and polar, with lysine, which is basic and polar, at codon 413 of the CASP10 protein (p.Glu413Lys). This variant is present in population databases (rs780430275, gnomAD 0.003%). This variant has not been reported in the literature in individuals affected with CASP10-related conditions. ClinVar contains an entry for this variant (Variation ID: 3761163). Invitae Evidence Modeling of protein sequence and biophysical properties (such as structural, functional, and spatial information, amino acid conservation, physicochemical variation, residue mobility, and thermodynamic stability) indicates that this missense variant is not expected to disrupt CASP10 protein function with a negative predictive value of 80%. In summary, the available evidence is currently insufficient to determine the role of this variant in disease. Therefore, it has been classified as a Variant of Uncertain Significance.